The following is an entry in ClinVar:

ClinVar aggregate classification (germline): Benign/Likely benign. Review status: criteria provided, multiple submitters, no conflicts (2 of 4 stars). 6 submissions from 6 submitters: Benign (5); Likely benign (1). Last evaluated 2026-02-03.

Submissions (6):

Labcorp Genetics (formerly Invitae), Labcorp
Classification: Benign. Last evaluated: 2026-02-03. Review status: criteria provided, single submitter. Criteria: Invitae Variant Classification Sherloc (09022015). Collection method: clinical testing. Allele origin: germline.

Blueprint Genetics
Classification: Benign. Last evaluated: 2024-11-26. Review status: criteria provided, single submitter. Criteria: ACMG Guidelines, 2015. Collection method: clinical testing. Allele origin: germline.

Institute for Clinical Genetics, University Hospital TU Dresden, University Hospital TU Dresden
Classification: Benign. Last evaluated: 2021-11-03. Review status: criteria provided, single submitter. Criteria: ACMG Guidelines, 2015. Collection method: clinical testing. Allele origin: germline.

GeneDx
Classification: Benign. Last evaluated: 2018-11-12. Review status: criteria provided, single submitter. Criteria: GeneDx Variant Classification Process June 2021. Collection method: clinical testing. Allele origin: germline. Affected: yes.
Comment: This variant is associated with the following publications: (PMID: 15472174)

Eurofins Ntd Llc (ga)
Classification: Benign. Last evaluated: 2017-09-26. Review status: criteria provided, single submitter. Criteria: EGL Classification Definitions 2015. Collection method: clinical testing. Allele origin: germline. Observed: 1 variant allele, 1 heterozygote.

Genetic Services Laboratory, University of Chicago
Classification: Likely benign. Last evaluated: 2015-04-10. Review status: criteria provided, single submitter. Criteria: ACMG Guidelines, 2015. Collection method: clinical testing. Allele origin: germline.

NM_000939.4(POMC):c.280AGCAGCGGC[3] (p.94SSG[3])

Gene: POMC (proopiomelanocortin; minus strand). Cytogenetic location: 2p23.3.
Variant type: Microsatellite.
Coding change: c.280AGCAGCGGC[3] on transcript NM_000939.4 (MANE Select); three copies in a row of the 9-base unit AGCAGCGGC starting at c.280; the reference has two copies in a row; one copy, 9 bases duplicated.
Protein change: p.94SSG[3].
Molecular consequence: inframe insertion.
Genome position (GRCh38, 1-based): chr2:25,161,588-25,161,596, GCCGCTGCT duplicated on the plus strand (AGCAGCGGC on the coding strand, the reverse complement: POMC is on the minus strand); duplicating any 9 consecutive bases within chr2:25,161,588-25,161,607 gives the same sequence; the position shown is the placement nearest the transcript's 3' end. VCF-style (leftmost placement, unchanged base first): chr2-25161587-C-CGCCGCTGCT. GRCh37 (hg19) VCF-style: chr2-25384456-C-CGCCGCTGCT.
Other names: c.280AGCAGCGGC[3], p.94SSG[3] (NM_001035256.3, NM_001319204.2, NM_001319205.2).
Identifiers: ClinVar variation 211935 (VCV000211935.27), dbSNP rs10654394, ClinGen allele CA208377.